The following is an entry in ClinVar:

NC_012920.1(MT-TT):m.15889T>C

Gene: MT-TT (mitochondrially encoded tRNA threonine; plus strand).
Variant type: single nucleotide variant.
Genome position: chrM-15889-T-C.
Identifiers: ClinVar variation 690213 (VCV000690213.1), dbSNP rs199833246, ClinGen allele CA337100558.
Genomic context (GRCh38, chrMT:15,889, plus strand): 5'-AATCCTAATCCTAATACCAACTATCTCCCTAATTGAAAACAAAATACTCAAATGGGCCTG[T>C]CCTTGTAGTATAAACTAATACACCAGTCTTGTAAACCGGAGATGAAAACCTTTTTCCAAG-3'

ClinVar aggregate classification (germline): Benign (1 of 4 stars; one submission).

Conditions:
MELAS syndrome (MELAS). Also called: Juvenile myopathy, encephalopathy, lactic acidosis, stroke. Identifiers: Orphanet 550, MedGen C0162671, MONDO:0010789, OMIM 540000.

Submission:

Wong Mito Lab, Molecular and Human Genetics, Baylor College of Medicine
Classification: Benign for MELAS syndrome. Last evaluated: 2019-07-12. Review status: criteria provided, single submitter. Criteria: Modified ACMG Guidelines (Unpublished). Collection method: clinical testing. Allele origin: germline.
Comment: The NC_012920.1:m.15889T>C variant in MT-TT gene is interpreted to be a Benign variant based on the modified ACMG guidelines (unpublished). This variant meets the following evidence codes reported in the guidelines: BS1, BS2, BP4

Literature cited by the submitters: PubMed 31965079.